The following is an entry in ClinVar:

ClinVar aggregate classification (germline): Uncertain significance (1 of 4 stars; one submission).

Conditions:
Multiple congenital anomalies-hypotonia-seizures syndrome 2 (MCAHS2). Also called: GLYCOSYLPHOSPHATIDYLINOSITOL BIOSYNTHESIS DEFECT 4; EPILEPTIC ENCEPHALOPATHY, EARLY INFANTILE, 20. Identifiers: Orphanet 300496, MedGen C3275508, MONDO:0010466, OMIM 300868.

Allele frequency attached by ClinVar (database versions not stated): gnomAD 0.00001; gnomAD exomes 0.00001; TOPMed 0.00002.
gnomAD v4.1: 1 of 1,194,557 alleles (0.000084%); highest among the groups gnomAD compares: African/African-American, 0.0018%; no homozygotes.

Submission:

Labcorp Genetics (formerly Invitae), Labcorp
Classification: Uncertain significance for Multiple congenital anomalies-hypotonia-seizures syndrome 2. Last evaluated: 2024-02-17. Review status: criteria provided, single submitter. Criteria: Invitae Variant Classification Sherloc (09022015). Collection method: clinical testing. Allele origin: germline.
Comment: This sequence change falls in intron 4 of the PIGA gene. It does not directly change the encoded amino acid sequence of the PIGA protein. It affects a nucleotide within the consensus splice site. This variant is present in population databases (no rsID available, gnomAD 0.006%), including at least one homozygous and/or hemizygous individual. This variant has not been reported in the literature in individuals affected with PIGA-related conditions. ClinVar contains an entry for this variant (Variation ID: 934085). Variants that disrupt the consensus splice site are a relatively common cause of aberrant splicing (PMID: 17576681, 9536098). Algorithms developed to predict the effect of sequence changes on RNA splicing suggest that this variant is not likely to affect RNA splicing. In summary, the available evidence is currently insufficient to determine the role of this variant in disease. Therefore, it has been classified as a Variant of Uncertain Significance.

Literature cited by the submitters: PubMed 17576681; PubMed 9536098.

NM_002641.4(PIGA):c.981+5A>G

Gene: PIGA (phosphatidylinositol glycan anchor biosynthesis class A; minus strand). Cytogenetic location: Xp22.2.
Variant type: single nucleotide variant.
Coding change: c.981+5A>G on transcript NM_002641.4 (MANE Select); 5 bases into the intron after coding-DNA position 981, A replaced by G.
Molecular consequence: intron variant.
Genome position (GRCh38, 1-based): chrX:15,325,015, T>C on the plus strand (A>G on the coding strand, the complement: PIGA is on the minus strand). VCF-style: chrX-15325015-T-C. GRCh37 (hg19) VCF-style: chrX-15343137-T-C.
Other names: c.279+5A>G (NM_020473.3).
Identifiers: ClinVar variation 934085 (VCV000934085.10), dbSNP rs994376694, ClinGen allele CA326944469.